The following is an entry in ClinVar:

NM_080680.3(COL11A2):c.1678T>G (p.Phe560Val)

Gene: COL11A2 (collagen type XI alpha 2 chain; minus strand). Cytogenetic location: 6p21.32.
Variant type: single nucleotide variant.
Coding change: c.1678T>G on transcript NM_080680.3 (MANE Select); coding-DNA position 1678, T replaced by G.
Protein change: p.Phe560Val; replaces phenylalanine 560 with valine.
Molecular consequence: missense variant.
Genome position (GRCh38, 1-based): chr6:33,178,720, A>C on the plus strand (T>G on the coding strand, the complement: COL11A2 is on the minus strand). VCF-style: chr6-33178720-A-C. GRCh37 (hg19) VCF-style: chr6-33146497-A-C.
Other names: c.1357T>G, p.Phe453Val (NM_080679.3); c.1420T>G, p.Phe474Val (NM_080681.3); short protein forms F560V, F453V, F474V.
Identifiers: ClinVar variation 228530 (VCV000228530.4), dbSNP rs876657764, ClinGen allele CA10576687.

ClinVar aggregate classification (germline): Uncertain significance (1 of 4 stars; one submission).

Submission:

Laboratory for Molecular Medicine, Mass General Brigham Personalized Medicine
Classification: Uncertain significance. Last evaluated: 2015-05-14. Review status: criteria provided, single submitter. Criteria: LMM Criteria. Collection method: clinical testing. Allele origin: germline. Observed: 1 variant allele.
Comment: The p.Phe560Val variant in COL11A2 has not been previously reported in individua ls with hearing loss or in large population studies. Computational prediction to ols and conservation analysis suggest that this variant may impact the protein, though this information is not predictive enough to determine pathogenicity. In summary, the clinical significance of the p.Phe560Val variant is uncertain.